The following is an entry in ClinVar:

ClinVar aggregate classification (germline): Uncertain significance. Review status: criteria provided, multiple submitters, no conflicts (2 of 4 stars). 2 submissions from 2 submitters: Uncertain significance (2). Last evaluated 2023-05-30.

Conditions:
Primary ciliary dyskinesia. Also called: Ciliary dyskinesia. Identifiers: Orphanet 244, MedGen C0008780, MONDO:0016575, HP:0012265.

Allele frequency attached by ClinVar (database versions not stated): gnomAD exomes below 0.00001 and 0.00001; TOPMed below 0.00001; ExAC 0.00001.
gnomAD v4.1: 4 of 1,614,244 alleles (0.00025%); highest among the groups gnomAD compares: Non-Finnish European, 0.00034%; no homozygotes.

Submissions (2):

Ambry Genetics
Classification: Uncertain significance for Primary ciliary dyskinesia. Last evaluated: 2023-05-30. Review status: criteria provided, single submitter. Criteria: Ambry Variant Classification Scheme 2023. Collection method: clinical testing. Allele origin: germline.
Comment: The p.R530S variant (also known as c.1590A>T), located in coding exon 9 of the DNAAF1 gene, results from an A to T substitution at nucleotide position 1590. The arginine at codon 530 is replaced by serine, an amino acid with dissimilar properties. This amino acid position is conserved. In addition, this alteration is predicted to be tolerated by in silico analysis. Since supporting evidence is limited at this time, the clinical significance of this alteration remains unclear.

Labcorp Genetics (formerly Invitae), Labcorp
Classification: Uncertain significance for Primary ciliary dyskinesia. Last evaluated: 2022-01-11. Review status: criteria provided, single submitter. Criteria: Invitae Variant Classification Sherloc (09022015). Collection method: clinical testing. Allele origin: germline.
Comment: This sequence change replaces arginine, which is basic and polar, with serine, which is neutral and polar, at codon 530 of the DNAAF1 protein (p.Arg530Ser). This variant is present in population databases (rs774502745, gnomAD 0.002%). This variant has not been reported in the literature in individuals affected with DNAAF1-related conditions. ClinVar contains an entry for this variant (Variation ID: 1018756). Algorithms developed to predict the effect of missense changes on protein structure and function are either unavailable or do not agree on the potential impact of this missense change (SIFT: "Deleterious"; PolyPhen-2: "Benign"; Align-GVGD: "Class C0"). Algorithms developed to predict the effect of sequence changes on RNA splicing suggest that this variant may create or strengthen a splice site. In summary, the available evidence is currently insufficient to determine the role of this variant in disease. Therefore, it has been classified as a Variant of Uncertain Significance.

NM_178452.6(DNAAF1):c.1590A>T (p.Arg530Ser)

Gene: DNAAF1 (dynein axonemal assembly factor 1; plus strand). Cytogenetic location: 16q24.1.
Variant type: single nucleotide variant.
Coding change: c.1590A>T on transcript NM_178452.6 (MANE Select); coding-DNA position 1590, A replaced by T.
Protein change: p.Arg530Ser; replaces arginine 530 with serine.
Molecular consequence: missense variant.
Genome position (GRCh38, 1-based): chr16:84,172,321, A>T. VCF-style: chr16-84172321-A-T. GRCh37 (hg19) VCF-style: chr16-84205927-A-T.
Other names: c.882A>T, p.Arg294Ser (NM_001318756.1); c.1590A>T (NM_178452.4); short protein forms R294S, R530S.
Identifiers: ClinVar variation 1018756 (VCV001018756.4), dbSNP rs774502745, ClinGen allele CA8202927.